The following is an entry in ClinVar:

NM_000051.4(ATM):c.7382G>A (p.Arg2461His)

Genes: ATM (ATM serine/threonine kinase; plus strand), C11orf65 (chromosome 11 open reading frame 65; minus strand). Cytogenetic location: 11q22.3.
Variant type: single nucleotide variant.
Coding change: c.7382G>A on transcript NM_000051.4 (MANE Select); coding-DNA position 7382, G replaced by A.
Protein change: p.Arg2461His; replaces arginine 2461 with histidine.
Molecular consequence: missense variant. On other transcripts: intron variant (2).
Genome position (GRCh38, 1-based): chr11:108,330,288, G>A. VCF-style: chr11-108330288-G-A. GRCh37 (hg19) VCF-style: chr11-108201015-G-A.
Other names: c.7382G>A, p.Arg2461His (NM_001351834.2); c.641-21217C>T (NM_001330368.2); c.*38+4932C>T (NM_001351110.2); short protein forms R2461H.
Identifiers: ClinVar variation 216230 (VCV000216230.43), dbSNP rs768461085, ClinGen allele CA338430.

ClinVar aggregate classification (germline): Uncertain significance. Review status: criteria provided, multiple submitters, no conflicts (2 of 4 stars). 10 submissions from 10 submitters: Uncertain significance (9). 1 of the submissions does not count toward it. Last evaluated 2025-12-23.

Conditions:
Hereditary cancer-predisposing syndrome. Also called: Neoplastic Syndromes, Hereditary; Hereditary neoplastic syndrome; Tumor predisposition; Hereditary Cancer Syndrome. Identifiers: Orphanet 140162, MedGen C0027672, MeSH D009386, MONDO:0015356.
Ataxia-telangiectasia syndrome (AT). Also called: Ataxia telangiectasia (A-T); Cerebello-oculocutaneous telangiectasia; Immunodeficiency with ataxia telangiectasia; LOUIS-BAR SYNDROME; AT, COMPLEMENTATION GROUP C; ATAXIA-TELANGIECTASIA, FRESNO VARIANT. Identifiers: Orphanet 100, MedGen C0004135, MONDO:0008840, OMIM 208900.
Familial cancer of breast. Also called: hereditary breast carcinoma; Hereditary breast cancer; BREAST CANCER, FAMILIAL. Identifiers: Orphanet 227535, MedGen C0346153, MONDO:0016419, OMIM 114480. Disease mechanism: loss of function.

Allele frequency attached by ClinVar (database versions not stated): gnomAD 0.00001; TOPMed 0.00001; ExAC 0.00003; gnomAD exomes 0.00003 and 0.00004.
gnomAD v4.1: 51 of 1,614,066 alleles (0.0032%); highest among the groups gnomAD compares: Admixed American, 0.017%; no homozygotes.

Submissions (10):

Labcorp Genetics (formerly Invitae), Labcorp
Classification: Uncertain significance for Ataxia-telangiectasia syndrome. Last evaluated: 2025-12-23. Review status: criteria provided, single submitter. Criteria: Invitae Variant Classification Sherloc (09022015). Collection method: clinical testing. Allele origin: germline.
Comment: This sequence change replaces arginine, which is basic and polar, with histidine, which is basic and polar, at codon 2461 of the ATM protein (p.Arg2461His). This variant is present in population databases (rs768461085, gnomAD 0.02%). This missense change has been observed in individual(s) with breast cancer or prostate cancer (PMID: 30287823, 30982232, 31214711). ClinVar contains an entry for this variant (Variation ID: 216230). Invitae Evidence Modeling of protein sequence and biophysical properties (such as structural, functional, and spatial information, amino acid conservation, physicochemical variation, residue mobility, and thermodynamic stability) indicates that this missense variant is not expected to disrupt ATM protein function with a negative predictive value of 95%. In summary, the available evidence is currently insufficient to determine the role of this variant in disease. Therefore, it has been classified as a Variant of Uncertain Significance.

Women's Health and Genetics/Laboratory Corporation of America, LabCorp
Classification: Uncertain significance. Last evaluated: 2025-11-28. Review status: criteria provided, single submitter. Criteria: LabCorp Variant Classification Summary - May 2015. Collection method: clinical testing. Allele origin: germline.
Comment: Variant summary: ATM c.7382G>A (p.Arg2461His) results in a non-conservative amino acid change located in the PIK-related kinase, FAT domain (IPR003151) of the encoded protein sequence. Algorithms developed to predict the effect of missense changes on protein structure and function all suggest that this variant is likely to be disruptive. The variant allele was found at a frequency of 4e-05 in 273752 control chromosomes. This frequency is not significantly higher than estimated for disease-causing variants in ATM, allowing no conclusion about variant significance. c.7382G>A has been observed in individual(s) affected with cancers including breast, prostate, pancreatic, and gastric cancer, as well as unaffected controls (e.g. Momozawa_2018, Wang_2019, Momozawa_2020, Dorling_2021, Guglielmi_2021, Yin_2022, Zhang_2023). These report(s) do not provide unequivocal conclusions about association of the variant with Breast Cancer. At least one publication reports experimental evidence evaluating an impact on protein function. These results showed no damaging effect of this variant (Hanenberg_2025). The following publications have been ascertained in the context of this evaluation (PMID: 34570441, 33471991, 34299313, 40105422, 31214711, 30287823, 30982232, 35186721, 35171259, 36627197). ClinVar contains an entry for this variant (Variation ID: 216230). Based on the evidence outlined above, the variant was classified as uncertain significance.

Ambry Genetics
Classification: Uncertain significance for Hereditary cancer-predisposing syndrome. Last evaluated: 2025-02-19. Review status: criteria provided, single submitter. Criteria: Ambry Variant Classification Scheme 2023. Collection method: clinical testing. Allele origin: germline.
Comment: The p.R2461H variant (also known as c.7382G>A), located in coding exon 49 of the ATM gene, results from a G to A substitution at nucleotide position 7382. The arginine at codon 2461 is replaced by histidine, an amino acid with highly similar properties. This variant has been identified in cancer cohorts as well as control groups across multiple studies (Decker B et al. J Med Genet, 2017 11;54:732-741; Momozawa Y et al. Nat Commun, 2018 10;9:4083;Yehia L et al. PLoS Genet, 2018 04;14:e1007352; Momozawa Y et al. J Natl Cancer Inst, 2020 Apr;112:369-376; Yin L et al. JAMA Netw Open, 2022 Feb;5:e2148721; Wei B et al. Cancer Med, 2023 Dec;12:21219-21228; Zhang C et al. J Med Genet, 2023 Aug;60:760-768). This amino acid position is well conserved in available vertebrate species. In addition, the in silico prediction for this alteration is inconclusive. Based on the available evidence, the clinical significance of this variant remains unclear.

Quest Diagnostics Nichols Institute San Juan Capistrano
Classification: Uncertain significance. Last evaluated: 2024-09-24. Review status: criteria provided, single submitter. Criteria: Quest Diagnostics criteria. Collection method: clinical testing. Allele origin: unknown.
Comment: The ATM c.7382G>A (p.Arg2461His) variant has been reported in individuals with breast/ovarian cancer (PMIDs: 34570441 (2021), 34299313 (2021)), 30982232 (2019), 30287823 (2018), 28779002 (2017)), prostate cancer (PMD: 31214711 (2020)) and pancreatic cancer (PMID: 35171259 (2022)). This variant has also been observed in reportedly healthy individuals (PMID: 30287823 (2018), 36243179 (2022)). The frequency of this variant in the general population, 0.00023 (8/34588 chromosomes (Genome Aggregation Database)), is uninformative in the assessment of its pathogenicity. Analysis of this variant using bioinformatics tools for the prediction of the effect of amino acid changes on protein structure and function yielded conflicting predictions that this variant is benign or damaging. Based on the available information, we are unable to determine the clinical significance of this variant.

Baylor Genetics
Classification: Uncertain significance for Familial cancer of breast. Last evaluated: 2024-03-21. Review status: criteria provided, single submitter. Criteria: ACMG Guidelines, 2015. Collection method: clinical testing. Allele origin: unknown.

Molecular Genetics, Royal Melbourne Hospital
Classification: Uncertain significance for Familial cancer of breast. Last evaluated: 2023-03-30. Review status: criteria provided, single submitter. Criteria: ACMG Guidelines, 2015. Collection method: clinical testing. Allele origin: germline. Affected: yes.
Comment: This sequence change in ATM is predicted to replace arginine with histidine at codon 2461, p.(Arg2461His). The arginine residue is highly conserved (100 vertebrates, UCSC), and is located in the FAT domain. There is a small physicochemical difference between arginine and histidine. The highest population minor allele frequency in gnomAD v2.1 is 0.02% (8/34,588 alleles) in the Latino/admixed American population. The prevalence of the variant in affected individuals with breast cancer and prostate cancer is not significantly increased compared with the prevalence in controls (PMID: 30287823, 30982232, 31214711, 33471991). Multiple lines of computational evidence predict a deleterious effect for the missense substitution (5/6 algorithms). Based on the classification scheme RMH Modified ACMG Guidelines v1.5.1, this variant is classified as a VARIANT OF UNCERTAIN SIGNIFICANCE. Following criteria are met: PP3.

GeneDx
Classification: Uncertain significance. Last evaluated: 2023-03-23. Review status: criteria provided, single submitter. Criteria: GeneDx Variant Classification Process June 2021. Collection method: clinical testing. Allele origin: germline. Affected: yes.
Comment: In silico analysis supports that this missense variant does not alter protein structure/function; This variant is associated with the following publications: (PMID: 25742471, 28779002, 28949453, 23532176, 30287823, 35186721, 34570441, 34299313, 33471991, 29684080, 31214711)

Color Diagnostics, LLC DBA Color Health
Classification: Uncertain significance for Hereditary cancer-predisposing syndrome. Last evaluated: 2022-07-26. Review status: criteria provided, single submitter. Criteria: ACMG Guidelines, 2015. Collection method: clinical testing. Allele origin: germline.
Comment: This missense variant replaces arginine with histidine at codon 2461 of the ATM protein. Computational prediction is inconclusive regarding the impact of this variant on protein structure and function (internally defined REVEL score threshold 0.5 < inconclusive < 0.7, PMID: 27666373). To our knowledge, functional studies have not been performed for this variant. This variant has been observed in an individual affected with breast and prostate cancer (PMID: 30287823, 30982232, 31214711, 33471991, 34299313), but also in an unaffected controls (PMID: 30287823, 33471991). This variant has been identified in 10/251270 chromosomes in the general population by the Genome Aggregation Database (gnomAD). The available evidence is insufficient to determine the role of this variant in disease conclusively. Therefore, this variant is classified as a Variant of Uncertain Significance.

Athena Diagnostics
Classification: Uncertain significance. Last evaluated: 2017-09-20. Review status: criteria provided, single submitter. Criteria: Athena Diagnostics Criteria. Collection method: clinical testing. Allele origin: germline.

Natera, Inc.
Classification: Uncertain significance for Ataxia-telangiectasia. Last evaluated: 2020-09-16. Review status: no assertion criteria provided. Collection method: clinical testing. Allele origin: germline. Not counted in ClinVar's aggregate classification.

Literature cited by the submitters: PubMed 30287823 (cited by 6 submitters); PubMed 30982232 (cited by 5 submitters); PubMed 31214711 (cited by 6 submitters); PubMed 33471991 (cited by 3 submitters); PubMed 34299313 (cited by 3 submitters); PubMed 35186721 (cited by Women's Health and Genetics/Laboratory Corporation of America, LabCorp and Quest Diagnostics Nichols Institute San Juan Capistrano); PubMed 34570441 (cited by Women's Health and Genetics/Laboratory Corporation of America, LabCorp and Quest Diagnostics Nichols Institute San Juan Capistrano); PubMed 35171259 (cited by 3 submitters); PubMed 36627197 (cited by Women's Health and Genetics/Laboratory Corporation of America, LabCorp and Ambry Genetics); PubMed 40105422 (cited by Women's Health and Genetics/Laboratory Corporation of America, LabCorp); PubMed 28779002 (cited by Ambry Genetics and Quest Diagnostics Nichols Institute San Juan Capistrano); PubMed 29684080 (cited by Ambry Genetics); PubMed 37930190 (cited by Ambry Genetics); PubMed 36243179 (cited by Quest Diagnostics Nichols Institute San Juan Capistrano).